The following is an entry in ClinVar:

NM_001029883.3(PCARE):c.103G>A (p.Gly35Arg)

Gene: PCARE (photoreceptor cilium actin regulator; minus strand). Cytogenetic location: 2p23.2.
Variant type: single nucleotide variant.
Coding change: c.103G>A on transcript NM_001029883.3 (MANE Select); coding-DNA position 103, G replaced by A.
Protein change: p.Gly35Arg; replaces glycine 35 with arginine.
Molecular consequence: missense variant.
Genome position (GRCh38, 1-based): chr2:29,074,159, C>T on the plus strand (G>A on the coding strand, the complement: PCARE is on the minus strand). VCF-style: chr2-29074159-C-T. GRCh37 (hg19) VCF-style: chr2-29297025-C-T.
Other names: c.103G>A (NM_001029883.1); short protein forms G35R.
Identifiers: ClinVar variation 833922 (VCV000833922.16), dbSNP rs187178339, ClinGen allele CA1592719.
Genomic context (GRCh38, chr2:29,074,159, plus strand): 5'-CCCCAGCGTCATAGCAGGTGGAGTTTTTAACCAGCAAAGGGATGGAACCTCTTTCACTTC[C>T]GCCCTGACATCCTGGCCGAATTGCTTTGGGCTTTTTCAAGAACTGAATGCCACTCTTTGC-3'
Protein context (NP_001025054.1, residues 25-45): PKAIRPGCQG[Gly35Arg]SERGSIPLLV

ClinVar aggregate classification (germline): Conflicting classifications of pathogenicity. Review status: criteria provided, conflicting classifications (1 of 4 stars). 5 submissions from 5 submitters: Uncertain significance (2); Benign (1); Likely benign (2). Last evaluated 2026-01-05.

Conditions:
PCARE-related disorder. Also called: PCARE-related condition.
Inborn genetic diseases. Identifiers: MedGen C0950123, MeSH D030342.
Retinitis pigmentosa (RP). Identifiers: Orphanet 791, MedGen C0035334, MeSH D012174, MONDO:0019200, OMIM 268000. Inheritance: Autosomal dominant, autosomal recessive and X linked inheritance.

Allele frequency attached by ClinVar (database versions not stated): 1000 Genomes Project 30x 0.00031; 1000 Genomes Project 0.00040; TOPMed 0.00053; gnomAD 0.00060 and 0.00061; ESP Exome Variant Server 0.00097.
gnomAD v4.1: 1,603 of 1,611,254 alleles (0.099%); highest among the groups gnomAD compares: Non-Finnish European, 0.11%; 2 homozygotes.

Submissions (5):

Labcorp Genetics (formerly Invitae), Labcorp
Classification: Benign. Last evaluated: 2026-01-05. Review status: criteria provided, single submitter. Criteria: Invitae Variant Classification Sherloc (09022015). Collection method: clinical testing. Allele origin: germline.

PreventionGenetics, part of Exact Sciences
Classification: Likely benign for PCARE-related condition. Last evaluated: 2024-12-31. Review status: criteria provided, single submitter. Criteria: ACMG Guidelines, 2015. Collection method: clinical testing. Allele origin: germline.
Comment: This variant is classified as likely benign based on ACMG/AMP sequence variant interpretation guidelines (Richards et al. 2015 PMID: 25741868, with internal and published modifications).

Blueprint Genetics
Classification: Likely benign. Last evaluated: 2024-09-23. Review status: criteria provided, single submitter. Criteria: ACMG Guidelines, 2015. Collection method: clinical testing. Allele origin: germline.

Ambry Genetics
Classification: Uncertain significance for Inborn genetic diseases. Last evaluated: 2021-08-10. Review status: criteria provided, single submitter. Criteria: Ambry Variant Classification Scheme 2023. Collection method: clinical testing. Allele origin: germline.

Illumina Laboratory Services, Illumina
Classification: Uncertain significance for Retinitis pigmentosa. Last evaluated: 2018-01-13. Review status: criteria provided, single submitter. Criteria: ICSL Variant Classification Criteria 13 December 2019. Collection method: clinical testing. Allele origin: germline.